The following is an entry in ClinVar:

ClinVar aggregate classification (germline): Uncertain significance (1 of 4 stars; one submission).

Allele frequency attached by ClinVar (database versions not stated): ExAC 0.00002; gnomAD 0.00003; TOPMed 0.00003; gnomAD exomes 0.00004.
gnomAD v4.1: 65 of 1,607,606 alleles (0.004%); highest among the groups gnomAD compares: Non-Finnish European, 0.0054%; no homozygotes.

Submission:

Labcorp Genetics (formerly Invitae), Labcorp
Classification: Uncertain significance. Last evaluated: 2021-12-28. Review status: criteria provided, single submitter. Criteria: Invitae Variant Classification Sherloc (09022015). Collection method: clinical testing. Allele origin: germline.
Comment: In summary, the available evidence is currently insufficient to determine the role of this variant in disease. Therefore, it has been classified as a Variant of Uncertain Significance. This variant has not been reported in the literature in individuals affected with CYP24A1-related conditions. This sequence change replaces isoleucine, which is neutral and non-polar, with valine, which is neutral and non-polar, at codon 463 of the CYP24A1 protein (p.Ile463Val). This variant is present in population databases (rs201594722, gnomAD 0.004%). Advanced modeling of protein sequence and biophysical properties (such as structural, functional, and spatial information, amino acid conservation, physicochemical variation, residue mobility, and thermodynamic stability) performed at Invitae indicates that this missense variant is not expected to disrupt CYP24A1 protein function.

NM_000782.5(CYP24A1):c.1387A>G (p.Ile463Val)

Gene: CYP24A1 (cytochrome P450 family 24 subfamily A member 1; minus strand). Cytogenetic location: 20q13.2.
Variant type: single nucleotide variant.
Coding change: c.1387A>G on transcript NM_000782.5 (MANE Select); coding-DNA position 1387, A replaced by G.
Protein change: p.Ile463Val; replaces isoleucine 463 with valine.
Molecular consequence: missense variant. On other transcripts: intron variant (1).
Genome position (GRCh38, 1-based): chr20:54,157,435, T>C on the plus strand (A>G on the coding strand, the complement: CYP24A1 is on the minus strand). VCF-style: chr20-54157435-T-C. GRCh37 (hg19) VCF-style: chr20-52773974-T-C.
Other names: c.1237-146A>G (NM_001128915.2); short protein forms I463V.
Identifiers: ClinVar variation 1984362 (VCV001984362.4), dbSNP rs201594722, ClinGen allele CA9915800.
Genomic context (GRCh38, chr20:54,157,435, plus strand): 5'-GTAAAGGTTTTACCCAACAAAGAGCCAAATGCAGTTGAAGCTCTGCTAATCGGCGACCAA[T>C]GCACATTCTTTTTCCAACGCCAAATGGAAGATGCGCAAAAGGATTAATTTTTTCCTTCTC-3'
Protein context (NP_000773.2, residues 453-473): LPFGVGKRMC[Ile463Val]GRRLAELQLH